The following is an entry in ClinVar:

ClinVar aggregate classification (germline): Conflicting classifications of pathogenicity. Review status: criteria provided, conflicting classifications (1 of 4 stars). 4 submissions from 4 submitters: Uncertain significance (1); Likely benign (1). 2 of the submissions do not count toward it. Last evaluated 2022-08-22.

Conditions:
EP300-related disorder. Also called: EP300-related condition; EP300-related disorders.
Rubinstein-Taybi syndrome due to CREBBP mutations (RSTS1). Also called: CREBBP-Related Rubinstein-Taybi Syndrome; RUBINSTEIN SYNDROME; RUBINSTEIN-TAYBI SYNDROME 1, INCOMPLETE; BROAD THUMBS AND GREAT TOES, CHARACTERISTIC FACIES, AND IMPAIRED INTELLECTUAL DEVELOPMENT; BROAD THUMB-HALLUX SYNDROME; Rubinstein-Taybi syndrome 1. Identifiers: Orphanet 353277, Orphanet 783, MedGen C4551859, MONDO:0008393, OMIM 180849.
Colorectal cancer. Also called: Malignant Colorectal Neoplasm; Colorectal cancer, somatic. Identifiers: MedGen C0346629, MONDO:0005575, OMIM 114500.
Rubinstein-Taybi syndrome due to EP300 haploinsufficiency. Also called: RUBINSTEIN-TAYBI SYNDROME 2; EP300-Related Rubinstein-Taybi Syndrome. Identifiers: Orphanet 353284, Orphanet 783, MedGen C3150941, MONDO:0013364, OMIM 613684.
Menke-Hennekam syndrome 2 (MKHK2). Identifiers: MedGen C5193035, MONDO:0020769, OMIM 618333.

Allele frequency attached by ClinVar (database versions not stated): TOPMed 0.00001.
gnomAD v4.1: 6 of 1,614,214 alleles (0.00037%); highest among the groups gnomAD compares: Non-Finnish European, 0.00051%; no homozygotes.

Submissions (4):

Labcorp Genetics (formerly Invitae), Labcorp
Classification: Likely benign for Rubinstein-Taybi syndrome due to EP300 haploinsufficiency. Last evaluated: 2022-08-22. Review status: criteria provided, single submitter. Criteria: Invitae Variant Classification Sherloc (09022015). Collection method: clinical testing. Allele origin: germline.

Fulgent Genetics
Classification: Uncertain significance for Colorectal cancer; Rubinstein-Taybi syndrome due to CREBBP mutations; Rubinstein-Taybi syndrome due to EP300 haploinsufficiency; Menke-Hennekam syndrome 2. Last evaluated: 2022-01-26. Review status: criteria provided, single submitter. Criteria: ACMG Guidelines, 2015. Collection method: clinical testing. Allele origin: unknown.

PreventionGenetics, part of Exact Sciences
Classification: Uncertain significance for EP300-related condition. Last evaluated: 2023-12-12. Review status: no assertion criteria provided. Collection method: clinical testing. Allele origin: germline. Not counted in ClinVar's aggregate classification.
Comment: The EP300 c.695G>C variant is predicted to result in the amino acid substitution p.Gly232Ala. To our knowledge, this variant has not been reported in the literature. This variant is reported in 0.00088% of alleles in individuals of European (Non-Finnish) descent in gnomAD. At this time, the clinical significance of this variant is uncertain due to the absence of conclusive functional and genetic evidence.

Department of Pathology and Laboratory Medicine, Sinai Health System
Classification: Uncertain significance. Review status: no assertion criteria provided. Collection method: clinical testing. Allele origin: unknown. Affected: yes. Study: The Canadian Open Genetics Repository (COGR). Not counted in ClinVar's aggregate classification.
Comment: The EP300 p.Gly232Ala variant was not identified in the literature nor was it identified in ClinVar or Cosmic. The variant was identified in dbSNP (ID: rs1261612920), LOVD 3.0 and in control databases in 1 of 251076 chromosomes at a frequency of 0.000004 (Genome Aggregation Database Feb 27, 2017). The variant was observed in the following population: European (non-Finnish) in 1 of 113482 chromosomes (freq: 0.000009); it was not observed in the African, Latino, Ashkenazi Jewish, East Asian, European (Finnish), Other, and South Asian populations. The p.Gly232 residue is conserved across mammals and other organisms, and four out of five computational analyses (PolyPhen-2, SIFT, AlignGVGD, MutationTaster) suggest that the variant may impact the protein; however, this information is not predictive enough to assume pathogenicity. The variant occurs outside of the splicing consensus sequence and in silico or computational prediction software programs (SpliceSiteFinder, MaxEntScan, NNSPLICE, GeneSplicer) do not predict a difference in splicing. In summary, based on the above information the clinical significance of this variant cannot be determined with certainty at this time. This variant is classified as a variant of uncertain significance.

NM_001429.4(EP300):c.695G>C (p.Gly232Ala)

Gene: EP300 (EP300 lysine acetyltransferase; plus strand). Cytogenetic location: 22q13.2.
Variant type: single nucleotide variant.
Coding change: c.695G>C on transcript NM_001429.4 (MANE Select); coding-DNA position 695, G replaced by C.
Protein change: p.Gly232Ala; replaces glycine 232 with alanine.
Molecular consequence: missense variant.
Genome position (GRCh38, 1-based): chr22:41,117,787, G>C. VCF-style: chr22-41117787-G-C. GRCh37 (hg19) VCF-style: chr22-41513791-G-C.
Other names: c.695G>C, p.Gly232Ala (NM_001362843.2); c.695G>C (NM_001429.3); short protein forms G232A.
Identifiers: ClinVar variation 1049476 (VCV001049476.9), dbSNP rs1261612920, ClinGen allele CA411681627.